The following is an entry in ClinVar:

ClinVar aggregate classification (germline): Likely pathogenic (1 of 4 stars; one submission).

Conditions:
Fabry disease. Also called: ALPHA-GALACTOSIDASE A DEFICIENCY; ANDERSON-FABRY DISEASE; CERAMIDE TRIHEXOSIDASE DEFICIENCY; GLA DEFICIENCY; HEREDITARY DYSTOPIC LIPIDOSIS; Angiokeratoma corporis diffusum. Identifiers: Orphanet 324, MedGen C0002986, MONDO:0010526, OMIM 301500, HP:0001071. Disease mechanism: Fabry disease is due to inactivating mutations in the X-linked GLA gene resulting in deficiency of the enzyme Alpha Galactosidase-A., loss of function.

Submission:

Genomenon, Inc
Classification: Likely pathogenic for Fabry disease. Last evaluated: 2026-09-08. Review status: criteria provided, single submitter. Criteria: Genomenon Sequence Variant Interpretation Standards - Updated. Collection method: curation. Allele origin: germline. Affected: yes.
Comment: GLA p.Trp81Arg (c.241T>C) is a missense variant that changes the amino acid at codon 81 from Tryptophan to Arginine. This variant has been observed in at least one proband with clinical features consistent with Fabry disease (PMID:18297328). At least one functional study has demonstrated a substantial alteration in protein function relative to the wild-type (PMID:27657681). It is absent or not present at a significant frequency in gnomAD. In silico models predict that this variant is possibly or probably damaging. In conclusion, we classify GLA p.Trp81Arg (c.241T>C) as a likely pathogenic variant.

Literature cited by the submitters: PubMed 18297328; PubMed 27657681.

NM_000169.3(GLA):c.241T>C (p.Trp81Arg)

Genes: GLA (galactosidase alpha; minus strand), RPL36A-HNRNPH2 (RPL36A-HNRNPH2 readthrough; plus strand). Cytogenetic location: Xq22.1.
Variant type: single nucleotide variant.
Coding change: c.241T>C on transcript NM_000169.3 (MANE Select); coding-DNA position 241, T replaced by C.
Protein change: p.Trp81Arg; replaces tryptophan 81 with arginine.
Molecular consequence: missense variant. On other transcripts: non-coding transcript variant (3), intron variant (2).
Genome position (GRCh38, 1-based): chrX:101,403,939, A>G on the plus strand (T>C on the coding strand, the complement: GLA is on the minus strand). VCF-style: chrX-101403939-A-G. GRCh37 (hg19) VCF-style: chrX-100658927-A-G.
Other names: c.364T>C, p.Trp122Arg (NM_001406747.1, NM_001406749.1); c.241T>C, p.Trp81Arg (NM_001406748.1); c.301-7997A>G (NM_001199973.2); c.178-7997A>G (NM_001199974.2); short protein forms W122R, W81R.
Identifiers: ClinVar variation 4087313 (VCV004087313.2).